The following is an entry in ClinVar:

NM_182977.3(NNT):c.1089del (p.Leu362_Tyr363insTer)

Gene: NNT (nicotinamide nucleotide transhydrogenase; plus strand). Cytogenetic location: 5p12.
Variant type: Deletion.
Coding change: c.1089del on transcript NM_182977.3 (MANE Select); coding-DNA position 1089, one base deleted (C; older notation c.1089delC).
Protein change: p.Leu362_Tyr363insTer.
Molecular consequence: nonsense.
Genome position (GRCh38, 1-based): chr5:43,644,316, C deleted. VCF-style (leftmost placement, unchanged base first): chr5-43644315-AC-A. GRCh37 (hg19) VCF-style: chr5-43644417-AC-A.
Other names: c.696del, p.Leu231_Tyr232insTer (NM_001331026.2); c.1089del, p.Leu362_Tyr363insTer (NM_012343.4).
Identifiers: ClinVar variation 1705295 (VCV001705295.1), dbSNP rs2478489596, ClinGen allele CA2580073300.
Genomic context (GRCh38, chr5:43,644,315, plus strand): 5'-TTGTGGATTTAGCTGCTGAGGCTGGTGGAAACTTTGAAACCACTAAGCCAGGAGAACTCT[AC>A]ATTCATAAGGTATAGCAAGATGCGTTTTCTATCTGTGATCACTTCTCATGTCTTGAGTTA-3'

ClinVar aggregate classification (germline): Pathogenic (1 of 4 stars; one submission).

Conditions:
Glucocorticoid deficiency 4. Also called: Glucocorticoid deficiency 4 with or without mineralocorticoid deficiency. Identifiers: Orphanet 361, MedGen C3553587, MONDO:0013874, OMIM 614736.

Submission:

3billion
Classification: Pathogenic for Glucocorticoid deficiency 4. Last evaluated: 2022-09-01. Review status: criteria provided, single submitter. Criteria: ACMG Guidelines, 2015. Collection method: clinical testing. Allele origin: germline. Affected: yes. Observed: 1 homozygote.
Comment: The variant is not observed in the gnomAD v2.1.1 dataset. It is predicted to result in a loss or disruption of normal protein function through nonsense-mediated decay (NMD) or protein truncation. Multiple pathogenic variants are reported downstream of the variant. Therefore, this homozygous variant is classified as Pathogenic according to the recommendation of ACMG/AMP guideline.